The following is an entry in ClinVar:

NM_005228.5(EGFR):c.2600A>C (p.Lys867Thr)

Gene: EGFR (epidermal growth factor receptor; plus strand). Cytogenetic location: 7p11.2.
Variant type: single nucleotide variant.
Coding change: c.2600A>C on transcript NM_005228.5 (MANE Select); coding-DNA position 2600, A replaced by C.
Protein change: p.Lys867Thr; replaces lysine 867 with threonine.
Molecular consequence: missense variant.
Genome position (GRCh38, 1-based): chr7:55,191,849, A>C. VCF-style: chr7-55191849-A-C. GRCh37 (hg19) VCF-style: chr7-55259542-A-C.
Other names: c.2465A>C, p.Lys822Thr (NM_001346897.2, NM_001346899.2); c.2600A>C, p.Lys867Thr (NM_001346898.2); c.2441A>C, p.Lys814Thr (NM_001346900.2); c.1799A>C, p.Lys600Thr (NM_001346941.2); short protein forms K600T, K814T, K867T, K822T.
Identifiers: ClinVar variation 4247312 (VCV004247312.1).

ClinVar aggregate classification (germline): Uncertain significance (1 of 4 stars; one submission).

Conditions:
Hereditary cancer-predisposing syndrome. Also called: Hereditary Cancer Syndrome; Hereditary neoplastic syndrome; Neoplastic Syndromes, Hereditary; Tumor predisposition. Identifiers: Orphanet 140162, MedGen C0027672, MeSH D009386, MONDO:0015356.

Submission:

Ambry Genetics
Classification: Uncertain significance for Hereditary cancer-predisposing syndrome. Last evaluated: 2025-07-19. Review status: criteria provided, single submitter. Criteria: Ambry Variant Classification Scheme 2023. Collection method: clinical testing. Allele origin: germline.
Comment: The p.K867T variant (also known as c.2600A>C), located in coding exon 21 of the EGFR gene, results from an A to C substitution at nucleotide position 2600. The lysine at codon 867 is replaced by threonine, an amino acid with similar properties. This amino acid position is conserved. In addition, the in silico prediction for this alteration is inconclusive. Based on the available evidence, the clinical significance of this variant remains unclear.